The following is an entry in ClinVar:

ClinVar aggregate classification (germline): Benign (1 of 4 stars; one submission).

Conditions:
MELAS syndrome (MELAS). Also called: Juvenile myopathy, encephalopathy, lactic acidosis, stroke. Identifiers: Orphanet 550, MedGen C0162671, MONDO:0010789, OMIM 540000.

Submission:

Wong Mito Lab, Molecular and Human Genetics, Baylor College of Medicine
Classification: Benign for MELAS syndrome. Last evaluated: 2019-07-12. Review status: criteria provided, single submitter. Criteria: Modified ACMG Guidelines (Unpublished). Collection method: clinical testing. Allele origin: germline.
Comment: The NC_012920.1:m.5822G>A variant in MT-TC gene is interpreted to be a Benign variant based on the modified ACMG guidelines (unpublished). This variant meets the following evidence codes reported in the guidelines: BS1, BS2, BP4, BP6

Literature cited by the submitters: PubMed 31965079.

NC_012920.1(MT-TC):m.5822G>A

Gene: MT-TC (mitochondrially encoded tRNA cysteine; minus strand).
Variant type: single nucleotide variant.
Genome position: chrM-5822-G-A.
Identifiers: ClinVar variation 690006 (VCV000690006.1), dbSNP rs1556423041, ClinGen allele CA913180561.